The following is an entry in ClinVar:

ClinVar aggregate classification (germline): Benign/Likely benign. Review status: criteria provided, multiple submitters, no conflicts (2 of 4 stars). 2 submissions from 2 submitters: Benign (1); Likely benign (1). Last evaluated 2026-04-01.

Conditions:
Supravalvar aortic stenosis (SVAS). Also called: Supravalvar aortic stenosis, Eisenberg type. Identifiers: Orphanet 3193, MedGen C0003499, MONDO:0008504, OMIM 185500, HP:0004381.

Allele frequency attached by ClinVar (database versions not stated): gnomAD below 0.00001 and 0.00017; TOPMed 0.00001; 1000 Genomes Project 30x 0.00016; 1000 Genomes Project 0.00020; gnomAD exomes 0.00037 and 0.00066; ExAC 0.00081.
gnomAD v4.1: 555 of 1,612,140 alleles (0.034%); highest among the groups gnomAD compares: South Asian, 0.6%; 16 homozygotes.

Submissions (2):

CeGaT Center for Human Genetics Tuebingen
Classification: Likely benign. Last evaluated: 2026-04-01. Review status: criteria provided, single submitter. Criteria: CeGaT Center For Human Genetics Tuebingen Variant Classification Criteria Version 2. Collection method: clinical testing. Allele origin: germline. Affected: yes. Observed: 2 variant alleles.
Comment: ELN: BP4, BP7

Labcorp Genetics (formerly Invitae), Labcorp
Classification: Benign for Supravalvar aortic stenosis. Last evaluated: 2025-09-25. Review status: criteria provided, single submitter. Criteria: Invitae Variant Classification Sherloc (09022015). Collection method: clinical testing. Allele origin: germline.

NM_000501.4(ELN):c.924A>T (p.Ala308=)

Gene: ELN (elastin; plus strand). Cytogenetic location: 7q11.23.
Variant type: single nucleotide variant.
Coding change: c.924A>T on transcript NM_000501.4 (MANE Select); coding-DNA position 924, A replaced by T.
Protein change: p.Ala308=; no amino-acid change (alanine 308 retained).
Molecular consequence: synonymous variant.
Genome position (GRCh38, 1-based): chr7:74,051,958, A>T. VCF-style: chr7-74051958-A-T. GRCh37 (hg19) VCF-style: chr7-73466288-A-T.
Other names: c.894A>T, p.Ala298= (NM_001081752.3, NM_001278917.2); c.939A>T, p.Ala313= (NM_001081753.3, NM_001081754.3); c.924A>T, p.Ala308= (NM_001081755.3, NM_001278912.2, NM_001278915.2 and 1 more transcripts); c.816A>T, p.Ala272= (NM_001278913.2); c.909A>T, p.Ala303= (NM_001278914.2); c.882A>T, p.Ala294= (NM_001278916.2); c.792A>T, p.Ala264= (NM_001278918.2).
Identifiers: ClinVar variation 453332 (VCV000453332.16), dbSNP rs539451717, ClinGen allele CA4292764.